The following is an entry in ClinVar:

NM_005689.4(ABCB6):c.962G>A (p.Gly321Asp)

Gene: ABCB6 (ATP binding cassette subfamily B member 6 (LAN blood group); minus strand). Cytogenetic location: 2q35.
Variant type: single nucleotide variant.
Coding change: c.962G>A on transcript NM_005689.4 (MANE Select); coding-DNA position 962, G replaced by A.
Protein change: p.Gly321Asp; replaces glycine 321 with aspartic acid.
Molecular consequence: missense variant.
Genome position (GRCh38, 1-based): chr2:219,216,372, C>T on the plus strand (G>A on the coding strand, the complement: ABCB6 is on the minus strand). VCF-style: chr2-219216372-C-T. GRCh37 (hg19) VCF-style: chr2-220081094-C-T.
Other names: c.824G>A, p.Gly275Asp (NM_001349828.2); short protein forms G275D, G321D.
Identifiers: ClinVar variation 1951787 (VCV001951787.5), dbSNP rs1340408709, ClinGen allele CA350639923.

ClinVar aggregate classification (germline): Uncertain significance (1 of 4 stars; one submission).

Allele frequency attached by ClinVar (database versions not stated): TOPMed below 0.00001; gnomAD 0.00001.
gnomAD v4.1: 23 of 1,613,820 alleles (0.0014%); highest among the groups gnomAD compares: Non-Finnish European, 0.0019%; no homozygotes.

Submission:

Labcorp Genetics (formerly Invitae), Labcorp
Classification: Uncertain significance. Last evaluated: 2022-08-22. Review status: criteria provided, single submitter. Criteria: Invitae Variant Classification Sherloc (09022015). Collection method: clinical testing. Allele origin: germline.
Comment: This sequence change replaces glycine, which is neutral and non-polar, with aspartic acid, which is acidic and polar, at codon 321 of the ABCB6 protein (p.Gly321Asp). This variant is present in population databases (no rsID available, gnomAD 0.0009%). This variant has not been reported in the literature in individuals affected with ABCB6-related conditions. Algorithms developed to predict the effect of missense changes on protein structure and function are either unavailable or do not agree on the potential impact of this missense change (SIFT: "Tolerated"; PolyPhen-2: "Probably Damaging"; Align-GVGD: "Class C0"). In summary, the available evidence is currently insufficient to determine the role of this variant in disease. Therefore, it has been classified as a Variant of Uncertain Significance.